The following is an entry in ClinVar:

ClinVar aggregate classification (germline): Conflicting classifications of pathogenicity. Review status: criteria provided, conflicting classifications (1 of 4 stars). 7 submissions from 7 submitters: Pathogenic (3); Likely pathogenic (2); Uncertain significance (1). 1 of the submissions does not count toward it. Last evaluated 2026-02-18.

Conditions:
Congenital disorder of glycosylation (CDG). Also called: Carbohydrate-deficient glycoprotein syndrome; Congenital disorders of glycosylation. Identifiers: Orphanet 137, MedGen C0282577, MONDO:0015286.
ALG1-congenital disorder of glycosylation. Also called: CONGENITAL DISORDER OF GLYCOSYLATION, TYPE Ik; CDG Ik; ALG1-CDG. Identifiers: Orphanet 79327, MedGen C2931005, MONDO:0012052, OMIM 608540.

Allele frequency attached by ClinVar (database versions not stated): gnomAD exomes below 0.00001 and 0.00002; TOPMed below 0.00001.

Submissions (7):

Victorian Clinical Genetics Services, Murdoch Childrens Research Institute
Classification: Pathogenic for ALG1-congenital disorder of glycosylation. Last evaluated: 2026-02-18. Review status: criteria provided, single submitter. Criteria: ACMG Guidelines, 2015. Collection method: clinical testing. Allele origin: germline. Affected: yes.
Comment: This variant is classified as Pathogenic. Evidence in support of pathogenic classification: Variant is present in gnomAD <0.01 for a recessive condition (v4: 24 heterozygote(s), 0 homozygote(s)); This variant has strong previous evidence of pathogenicity in unrelated individuals. This variant has been classified as likely pathogenic/pathogenic by multiple clinical laboratories in ClinVar, and once as a VUS. It has also been reported several times in the literature in assumed compound heterozygous affected individuals (PMIDs: 26931382, 23806237, 29449963). Additional information: Variant is predicted to result in a missense amino acid change from Gln to Arg; This variant is heterozygous; This gene is associated with autosomal recessive disease; Loss of function is a known mechanism of disease in this gene and is associated with type Ik congenital disorder of glycosylation (MIM#608540); Heterozygous variant detected in trans with a second PATHOGENIC heterozygous variant (NM_019109.5(ALG1):c.773C>T; p.(Ser258Leu)) in a recessive disease.

Women's Health and Genetics/Laboratory Corporation of America, LabCorp
Classification: Pathogenic for ALG1-congenital disorder of glycosylation. Last evaluated: 2025-12-19. Review status: criteria provided, single submitter. Criteria: LabCorp Variant Classification Summary - May 2015. Collection method: clinical testing. Allele origin: germline.
Comment: Variant summary: ALG1 c.149A>G (p.Gln50Arg) results in a conservative amino acid change in the encoded protein sequence. Algorithms developed to predict the effect of missense changes on protein structure and function are either unavailable or do not agree on the potential impact of this missense change. The variant allele was found at a frequency of 4.6e-06 in 216262 control chromosomes (gnomAD). c.149A>G has been observed in multiple individuals affected with ALG1-congenital disorder of glycosylation (Jones_2013, Australian_2020, Ng_2016). These data indicate that the variant is very likely to be associated with disease. At least one publication reports experimental evidence evaluating an impact on protein function and this variant affects the ALG1 protein function (Ng_2016). The following publications have been ascertained in the context of this evaluation (PMID: 23806237, 26931382, 32573669). ClinVar contains an entry for this variant (Variation ID: 193418). Based on the evidence outlined above, the variant was classified as pathogenic.

Labcorp Genetics (formerly Invitae), Labcorp
Classification: Pathogenic for ALG1-congenital disorder of glycosylation. Last evaluated: 2025-10-08. Review status: criteria provided, single submitter. Criteria: Invitae Variant Classification Sherloc (09022015). Collection method: clinical testing. Allele origin: germline.
Comment: This sequence change replaces glutamine, which is neutral and polar, with arginine, which is basic and polar, at codon 50 of the ALG1 protein (p.Gln50Arg). The frequency data for this variant in the population databases is considered unreliable, as metrics indicate poor data quality at this position in the gnomAD database. This missense change has been observed in individual(s) with clinical features of congenital disorder of glycosylation (PMID: 23806237, 26931382, 32573669). ClinVar contains an entry for this variant (Variation ID: 193418). Invitae Evidence Modeling of protein sequence and biophysical properties (such as structural, functional, and spatial information, amino acid conservation, physicochemical variation, residue mobility, and thermodynamic stability) indicates that this missense variant is expected to disrupt ALG1 protein function with a positive predictive value of 95%. Experimental studies have shown that this missense change affects ALG1 function (PMID: 26931382). For these reasons, this variant has been classified as Pathogenic.

Fulgent Genetics
Classification: Likely pathogenic for ALG1-congenital disorder of glycosylation. Last evaluated: 2024-06-19. Review status: criteria provided, single submitter. Criteria: ACMG Guidelines, 2015. Collection method: clinical testing. Allele origin: germline.

GeneDx
Classification: Likely pathogenic. Last evaluated: 2017-09-01. Review status: criteria provided, single submitter. Criteria: GeneDx Variant Classification (06012015). Collection method: clinical testing. Allele origin: germline. Affected: yes.
Comment: The Q50R variant in the ALG1 gene has been reported previously in association with CDG type 1k (Jones et al., 2013; Ng et al., 2016). This variant is not observed in large population cohorts (Lek et al., 2016; 1000 Genomes Consortium et al., 2015; Exome Variant Server). Functional studies demonstrate that the Q50R variant results in underglycosylation (Ng et al., 2016). The Q50R variant is a semi-conservative amino acid substitution which occurs at a position that is conserved in mammals, and in silico analysis predicts this variant is probably damaging to the protein structure/function. We interpret Q50R as a likely pathogenic variant.

Eurofins Ntd Llc (ga)
Classification: Uncertain significance. Last evaluated: 2015-11-23. Review status: criteria provided, single submitter. Criteria: EGL Classification Definitions. Collection method: clinical testing. Allele origin: germline. Observed: 3 variant alleles, 3 heterozygotes.

University of Washington Center for Mendelian Genomics, University of Washington
Classification: Likely pathogenic for Congenital disorder of glycosylation. Last evaluated: 2017-05-25. Review status: no assertion criteria provided. Collection method: research. Allele origin: unknown. Affected: yes. Not counted in ClinVar's aggregate classification.

Literature cited by the submitters: PubMed 23806237 (cited by 3 submitters); PubMed 29449963 (cited by Victorian Clinical Genetics Services, Murdoch Childrens Research Institute); PubMed 26931382 (cited by 4 submitters); PubMed 32573669 (cited by Women's Health and Genetics/Laboratory Corporation of America, LabCorp and Labcorp Genetics (formerly Invitae), Labcorp).

NC_000016.10:g.5071998A>G

Genes: ALG1 (ALG1 chitobiosyldiphosphodolichol beta-mannosyltransferase; plus strand), LOC130058384 (ATAC-STARR-seq lymphoblastoid active region 10349; plus strand). Cytogenetic location: 16p13.3.
Variant type: single nucleotide variant.
Genome position: GRCh38 VCF-style: chr16-5071998-A-G. GRCh37 (hg19) VCF-style: chr16-5121999-A-G.
Other names: c.149A>G (NM_019109.5).
Identifiers: ClinVar variation 193418 (VCV000193418.22), dbSNP rs794726944, ClinGen allele CA238947.